The following is an entry in ClinVar:

NM_000283.4(PDE6B):c.1507G>C (p.Glu503Gln)

Gene: PDE6B (phosphodiesterase 6B; plus strand). Cytogenetic location: 4p16.3.
Variant type: single nucleotide variant.
Coding change: c.1507G>C on transcript NM_000283.4 (MANE Select); coding-DNA position 1507, G replaced by C.
Protein change: p.Glu503Gln; replaces glutamic acid 503 with glutamine.
Molecular consequence: missense variant.
Genome position (GRCh38, 1-based): chr4:660,506, G>C. VCF-style: chr4-660506-G-C. GRCh37 (hg19) VCF-style: chr4-654295-G-C.
Other names: c.1507G>C, p.Glu503Gln (NM_001145291.2); c.670G>C, p.Glu224Gln (NM_001145292.2, NM_001350154.3, NM_001379246.1 and 1 more transcripts); c.352G>C, p.Glu118Gln (NM_001350155.3); short protein forms E118Q, E224Q, E503Q.
Identifiers: ClinVar variation 993756 (VCV000993756.9), dbSNP rs758303497, ClinGen allele CA355915883.

ClinVar aggregate classification (germline): Uncertain significance. Review status: criteria provided, multiple submitters, no conflicts (2 of 4 stars). 2 submissions from 2 submitters: Uncertain significance (2). Last evaluated 2019-12-27.

Submissions (2):

Blueprint Genetics
Classification: Uncertain significance. Last evaluated: 2019-12-27. Review status: criteria provided, single submitter. Criteria: ACMG Guidelines, 2015. Collection method: clinical testing. Allele origin: germline.

ARUP Laboratories, Molecular Genetics and Genomics, ARUP Laboratories
Classification: Uncertain significance. Last evaluated: 2019-09-19. Review status: criteria provided, single submitter. Criteria: ARUP Molecular Germline Variant Investigation Process. Collection method: clinical testing. Allele origin: germline.
Comment: The PDE6B c.1507G>C; p.Glu503Gln variant, to our knowledge, is not reported in the medical literature or gene-specific databases. This variant is absent from general population databases (Exome Variant Server, Genome Aggregation Database), indicating it is not a common polymorphism. The glutamate at codon 503 is moderately conserved, and computational analyses (SIFT, PolyPhen-2) predict that this variant is tolerated. However, given the lack of clinical and functional data, the significance of the p.Glu503Gln variant is uncertain at this time.